The following is an entry in ClinVar:

NM_024675.4(PALB2):c.578C>T (p.Thr193Ile)

Gene: PALB2 (partner and localizer of BRCA2; minus strand). Cytogenetic location: 16p12.2.
Variant type: single nucleotide variant.
Coding change: c.578C>T on transcript NM_024675.4 (MANE Select); coding-DNA position 578, C replaced by T.
Protein change: p.Thr193Ile; replaces threonine 193 with isoleucine.
Molecular consequence: missense variant.
Genome position (GRCh38, 1-based): chr16:23,635,968, G>A on the plus strand (C>T on the coding strand, the complement: PALB2 is on the minus strand). VCF-style: chr16-23635968-G-A. GRCh37 (hg19) VCF-style: chr16-23647289-G-A.
Other names: short protein forms T193I.
Identifiers: ClinVar variation 232531 (VCV000232531.10), dbSNP rs876659823, ClinGen allele CA10580038.
Genomic context (GRCh38, chr16:23,635,968, plus strand): 5'-ACTGGTTCTGGAGAATCTGGAAGTTCAGATTTAAGACTTAAAAGGTGAGTTCTTATTTCA[G>A]TTACTGGTGATCTAGCAGGATTTTTGCTACTGATTTCTTCCTGTTCCTTTAGTCTTTTCC-3'
Protein context (NP_078951.2, residues 183-203): SSKNPARSPV[Thr193Ile]EIRTHLLSLK

ClinVar aggregate classification (germline): Uncertain significance. Review status: criteria provided, multiple submitters, no conflicts (2 of 4 stars). 3 submissions from 3 submitters: Uncertain significance (2). 1 of the submissions does not count toward it. Last evaluated 2024-03-25.

Conditions:
Familial cancer of breast. Also called: BREAST CANCER, FAMILIAL; hereditary breast carcinoma; Hereditary breast cancer. Identifiers: Orphanet 227535, MedGen C0346153, MONDO:0016419, OMIM 114480. Disease mechanism: loss of function.
Hereditary cancer-predisposing syndrome. Also called: Neoplastic Syndromes, Hereditary; Tumor predisposition; Hereditary Cancer Syndrome; Hereditary neoplastic syndrome. Identifiers: Orphanet 140162, MedGen C0027672, MeSH D009386, MONDO:0015356.

Allele frequency attached by ClinVar (database versions not stated): gnomAD exomes below 0.00001.
gnomAD v4.1: 1 of 1,614,142 alleles (0.000062%); highest among the groups gnomAD compares: Non-Finnish European, 0.000085%; no homozygotes.

Submissions (3):

Labcorp Genetics (formerly Invitae), Labcorp
Classification: Uncertain significance for Familial cancer of breast. Last evaluated: 2024-03-25. Review status: criteria provided, single submitter. Criteria: Invitae Variant Classification Sherloc (09022015). Collection method: clinical testing. Allele origin: germline.
Comment: This sequence change replaces threonine, which is neutral and polar, with isoleucine, which is neutral and non-polar, at codon 193 of the PALB2 protein (p.Thr193Ile). This variant is not present in population databases (gnomAD no frequency). This missense change has been observed in individual(s) with breast cancer (PMID: 30287823). ClinVar contains an entry for this variant (Variation ID: 232531). An algorithm developed to predict the effect of missense changes on protein structure and function (PolyPhen-2) suggests that this variant¬†is likely to be tolerated. In summary, the available evidence is currently insufficient to determine the role of this variant in disease. Therefore, it has been classified as a Variant of Uncertain Significance.

Ambry Genetics
Classification: Uncertain significance for Hereditary cancer-predisposing syndrome. Last evaluated: 2015-06-27. Review status: criteria provided, single submitter. Criteria: Ambry Variant Classification Scheme 2023. Collection method: clinical testing. Allele origin: germline.
Comment: The p.T193I variant (also known as c.578C>T), located in coding exon 4 of the PALB2 gene, results from a C to T substitution at nucleotide position 578. The threonine at codon 193 is replaced by isoleucine, an amino acid with similar properties. This variant was not reported in population based cohorts in the following databases: Database of Single Nucleotide Polymorphisms (dbSNP), NHLBI Exome Sequencing Project (ESP), and 1000 Genomes Project. In the ESP, this variant was not observed in 6497 samples (12994 alleles) with coverage at this position. To date, this alteration has been detected with an allele frequency of approximately 0.001% (greater than 70000 alleles tested) in our clinical cohort. This amino acid position is not well conserved in available vertebrate species. In addition, this alteration is predicted to be tolerated by in silico analysis. Since supporting evidence is limited at this time, the clinical significance of p.T193I remains unclear.

Leiden Open Variation Database
Classification: Uncertain significance. Last evaluated: 2018-10-10. Review status: no assertion criteria provided. Collection method: curation. Allele origin: germline. Affected: yes. Not counted in ClinVar's aggregate classification.
Comment: Curators: Marc Tischkowitz, Arleen D. Auerbach. Submitter to LOVD: Yukihide Momozawa.

Literature cited by the submitters: PubMed 30287823 (cited by Labcorp Genetics (formerly Invitae), Labcorp and Leiden Open Variation Database).